The following is an entry in ClinVar:

NM_001289104.2(PRKCSH):c.388A>C (p.Met130Leu)

Gene: PRKCSH (PRKCSH beta subunit of glucosidase II; plus strand). Cytogenetic location: 19p13.2.
Variant type: single nucleotide variant.
Coding change: c.388A>C on transcript NM_001289104.2 (MANE Select); coding-DNA position 388, A replaced by C.
Protein change: p.Met130Leu; replaces methionine 130 with leucine.
Molecular consequence: missense variant.
Genome position (GRCh38, 1-based): chr19:11,441,277, A>C. VCF-style: chr19-11441277-A-C. GRCh37 (hg19) VCF-style: chr19-11552092-A-C.
Other names: c.388A>C, p.Met130Leu (NM_001379608.1, NM_001379609.1, NM_002743.3 and 3 more transcripts); short protein forms M130L.
Identifiers: ClinVar variation 2761922 (VCV002761922.3), dbSNP rs2512518661, ClinGen allele CA404132903.

ClinVar aggregate classification (germline): Uncertain significance (1 of 4 stars; one submission).

Submission:

Labcorp Genetics (formerly Invitae), Labcorp
Classification: Uncertain significance. Last evaluated: 2023-12-12. Review status: criteria provided, single submitter. Criteria: Invitae Variant Classification Sherloc (09022015). Collection method: clinical testing. Allele origin: germline.
Comment: This sequence change replaces methionine, which is neutral and non-polar, with leucine, which is neutral and non-polar, at codon 130 of the PRKCSH protein (p.Met130Leu). This variant is not present in population databases (gnomAD no frequency). This variant has not been reported in the literature in individuals affected with PRKCSH-related conditions. Algorithms developed to predict the effect of missense changes on protein structure and function output the following: SIFT: "Not Available"; PolyPhen-2: "Benign"; Align-GVGD: "Not Available". The leucine amino acid residue is found in multiple mammalian species, which suggests that this missense change does not adversely affect protein function. In summary, the available evidence is currently insufficient to determine the role of this variant in disease. Therefore, it has been classified as a Variant of Uncertain Significance.